The following is an entry in ClinVar:

ClinVar aggregate classification (germline): Pathogenic (1 of 4 stars; one submission).

Submission:

Labcorp Genetics (formerly Invitae), Labcorp
Classification: Pathogenic. Last evaluated: 2025-02-17. Review status: criteria provided, single submitter. Criteria: Invitae Variant Classification Sherloc (09022015). Collection method: clinical testing. Allele origin: germline.
Comment: This sequence change creates a premature translational stop signal (p.Thr2035Tyrfs*11) in the EYS gene. It is expected to result in an absent or disrupted protein product. Loss-of-function variants in EYS are known to be pathogenic (PMID: 18836446, 20333770). This variant is not present in population databases (gnomAD no frequency). This variant has not been reported in the literature in individuals affected with EYS-related conditions. ClinVar contains an entry for this variant (Variation ID: 841140). For these reasons, this variant has been classified as Pathogenic.

Literature cited by the submitters: PubMed 18836446; PubMed 20333770.

NM_001142800.2(EYS):c.6102dup (p.Thr2035fs)

Gene: EYS (EGF-like photoreceptor maintenance factor; minus strand). Cytogenetic location: 6q12.
Variant type: Duplication.
Coding change: c.6102dup on transcript NM_001142800.2 (MANE Select); coding-DNA position 6102, one base duplicated (T; older notation c.6102dupT).
Protein change: p.Thr2035fs; shifts the reading frame from threonine 2035.
Molecular consequence: frameshift variant.
Genome position (GRCh38, 1-based): chr6:64,307,059, A duplicated on the plus strand (T on the coding strand, the reverse complement: EYS is on the minus strand); the first of 4 consecutive A bases (chr6:64,307,059-64,307,062); duplicating any one gives the same sequence. VCF-style (leftmost placement, unchanged base first): chr6-64307058-T-TA. GRCh37 (hg19) VCF-style: chr6-65016951-T-TA.
Other names: c.6102dup, p.Thr2035fs (NM_001292009.2); short protein forms T2035fs.
Identifiers: ClinVar variation 841140 (VCV000841140.7), dbSNP rs1582571021, ClinGen allele CA916082863.